The following is an entry in ClinVar:

NM_000548.5(TSC2):c.775-14_775-13del

Gene: TSC2 (TSC complex subunit 2; plus strand). Cytogenetic location: 16p13.3.
Variant type: Deletion.
Coding change: c.775-14_775-13del on transcript NM_000548.5 (MANE Select); 14 bases into the intron before coding-DNA position 775 through 13 bases into the intron before coding-DNA position 775, 2 bases deleted (AT; older notation c.775-14_775-13delAT).
Molecular consequence: intron variant.
Genome position (GRCh38, 1-based): chr16:2,057,091-2,057,092, AT deleted. VCF-style (leftmost placement, unchanged base first): chr16-2057090-CAT-C. GRCh37 (hg19) VCF-style: chr16-2107091-CAT-C.
Other names: c.775-14_775-13del (NM_001114382.3, NM_021055.3, NM_001370405.1 and 3 more transcripts); c.664-14_664-13del (NM_001318827.2); c.175-14_175-13del (NM_001318831.2); c.628-14_628-13del (NM_001318829.2); c.808-14_808-13del (NM_001318832.2).
Identifiers: ClinVar variation 507116 (VCV000507116.11), dbSNP rs1555499015, ClinGen allele CA658798476.

ClinVar aggregate classification (germline): Likely benign. Review status: criteria provided, multiple submitters, no conflicts (2 of 4 stars). 4 submissions from 4 submitters: Likely benign (4). Last evaluated 2025-10-13.

Conditions:
Tuberous sclerosis syndrome (TSC). Also called: Tuberous sclerosis; Tuberous Sclerosis Complex. Identifiers: Orphanet 805, MedGen C0041341, MONDO:0001734.
Tuberous sclerosis 2 (TSC2). Identifiers: Orphanet 805, MedGen C1860707, MONDO:0013199, OMIM 613254.

Allele frequency attached by ClinVar (database versions not stated): gnomAD exomes below 0.00001; TOPMed below 0.00001.

Submissions (4):

Color Diagnostics, LLC DBA Color Health
Classification: Likely benign for Tuberous sclerosis syndrome. Last evaluated: 2025-10-13. Review status: criteria provided, single submitter. Criteria: ACMG Guidelines, 2015. Collection method: clinical testing. Allele origin: germline.

Labcorp Genetics (formerly Invitae), Labcorp
Classification: Likely benign for Tuberous sclerosis 2. Last evaluated: 2025-07-21. Review status: criteria provided, single submitter. Criteria: Invitae Variant Classification Sherloc (09022015). Collection method: clinical testing. Allele origin: germline.

Myriad Genetics, Inc.
Classification: Likely benign for Tuberous sclerosis 2. Last evaluated: 2025-05-09. Review status: criteria provided, single submitter. Criteria: Myriad Autosomal Dominant, Autosomal Recessive and X-Linked Classification Criteria (2023). Collection method: clinical testing. Allele origin: unknown.
Comment: This variant is considered likely benign. This variant is intronic and is not expected to impact mRNA splicing.

GeneDx
Classification: Likely benign. Last evaluated: 2017-01-27. Review status: criteria provided, single submitter. Criteria: GeneDx Variant Classification (06012015). Collection method: clinical testing. Allele origin: germline. Affected: yes.
Comment: This variant is considered likely benign or benign based on one or more of the following criteria: it is a conservative change, it occurs at a poorly conserved position in the protein, it is predicted to be benign by multiple in silico algorithms, and/or has population frequency not consistent with disease.